The following is an entry in ClinVar:

ClinVar aggregate classification (germline): Likely benign. Review status: criteria provided, single submitter (1 of 4 stars). 2 submissions from 2 submitters: Likely benign (1). 1 of the submissions does not count toward it. Last evaluated 2023-07-26.

Conditions:
FRAS1-related disorder. Also called: FRAS1-related condition.

Allele frequency attached by ClinVar (database versions not stated): TOPMed 0.00002; gnomAD 0.00003.
gnomAD v4.1: 18 of 1,609,404 alleles (0.0011%); highest among the groups gnomAD compares: African/African-American, 0.004%; no homozygotes.

Submissions (2):

Labcorp Genetics (formerly Invitae), Labcorp
Classification: Likely benign. Last evaluated: 2023-07-26. Review status: criteria provided, single submitter. Criteria: Invitae Variant Classification Sherloc (09022015). Collection method: clinical testing. Allele origin: germline.

PreventionGenetics, part of Exact Sciences
Classification: Likely benign for FRAS1-related condition. Last evaluated: 2023-01-05. Review status: no assertion criteria provided. Collection method: clinical testing. Allele origin: germline. Not counted in ClinVar's aggregate classification.
Comment: This variant is classified as likely benign based on ACMG/AMP sequence variant interpretation guidelines (Richards et al. 2015 PMID: 25741868, with internal and published modifications).

NM_025074.7(FRAS1):c.7653G>A (p.Gln2551=)

Gene: FRAS1 (Fraser extracellular matrix complex subunit 1; plus strand). Cytogenetic location: 4q21.21.
Variant type: single nucleotide variant.
Coding change: c.7653G>A on transcript NM_025074.7 (MANE Select); coding-DNA position 7653, G replaced by A.
Protein change: p.Gln2551=; no amino-acid change (glutamine 2551 retained).
Molecular consequence: synonymous variant.
Genome position (GRCh38, 1-based): chr4:78,473,568, G>A. VCF-style: chr4-78473568-G-A. GRCh37 (hg19) VCF-style: chr4-79394722-G-A.
Other names: c.7653G>A (NM_025074.6).
Identifiers: ClinVar variation 2715111 (VCV002715111.5), dbSNP rs1212508973, ClinGen allele CA439976120.